The following is an entry in ClinVar:

NM_016180.5(SLC45A2):c.626dup (p.Leu210fs)

Gene: SLC45A2 (solute carrier family 45 member 2; minus strand). Cytogenetic location: 5p13.2.
Variant type: Duplication.
Coding change: c.626dup on transcript NM_016180.5 (MANE Select); coding-DNA position 626, one base duplicated (G; older notation c.626dupG).
Protein change: p.Leu210fs; shifts the reading frame from leucine 210.
Molecular consequence: frameshift variant. On other transcripts: intron variant (1).
Genome position (GRCh38, 1-based): chr5:33,963,953, C duplicated on the plus strand (G on the coding strand, the reverse complement: SLC45A2 is on the minus strand). VCF-style (leftmost placement, unchanged base first): chr5-33963952-T-TC. GRCh37 (hg19) VCF-style: chr5-33964057-T-TC.
Other names: c.626dup, p.Leu210fs (NM_001012509.4); c.563-9449dup (NM_001297417.4); short protein forms L210fs.
Identifiers: ClinVar variation 1454427 (VCV001454427.6), dbSNP rs2111962512, ClinGen allele CA2573139606.
Genomic context (GRCh38, chr5:33,963,952, plus strand): 5'-ACACAAAGTGAGCACCAATGCAGAGAAGAAGAACATGACCTGGAATTCTGTACCCAACAG[T>TC]CTTCCCAGCTCCAGATGGGCCCAGTCTATAGCACCCAAAAGGTAACCCAGGGCACCTCCA-3'

ClinVar aggregate classification (germline): Pathogenic (1 of 4 stars; one submission).

Submission:

Labcorp Genetics (formerly Invitae), Labcorp
Classification: Pathogenic. Last evaluated: 2021-05-10. Review status: criteria provided, single submitter. Criteria: Invitae Variant Classification Sherloc (09022015). Collection method: clinical testing. Allele origin: germline.
Comment: For these reasons, this variant has been classified as Pathogenic. This variant has not been reported in the literature in individuals with SLC45A2-related conditions. This variant is not present in population databases (ExAC no frequency). This sequence change creates a premature translational stop signal (p.Leu210Thrfs*30) in the SLC45A2 gene. It is expected to result in an absent or disrupted protein product. Loss-of-function variants in SLC45A2 are known to be pathogenic (PMID: 21458243, 26573111).

Literature cited by the submitters: PubMed 21458243; PubMed 26573111.